The following is an entry in ClinVar:

NM_006767.4(LZTR1):c.209A>C (p.Lys70Thr)

Gene: LZTR1 (leucine zipper like post translational regulator 1; plus strand). Cytogenetic location: 22q11.21.
Variant type: single nucleotide variant.
Coding change: c.209A>C on transcript NM_006767.4 (MANE Select); coding-DNA position 209, A replaced by C.
Protein change: p.Lys70Thr; replaces lysine 70 with threonine.
Molecular consequence: missense variant.
Genome position (GRCh38, 1-based): chr22:20,983,035, A>C. VCF-style: chr22-20983035-A-C. GRCh37 (hg19) VCF-style: chr22-21337324-A-C.
Other names: short protein forms K70T.
Identifiers: ClinVar variation 1785848 (VCV001785848.4), dbSNP rs2518608560, ClinGen allele CA410778267.

ClinVar aggregate classification (germline): Uncertain significance. Review status: criteria provided, multiple submitters, no conflicts (2 of 4 stars). 2 submissions from 2 submitters: Uncertain significance (2). Last evaluated 2024-12-10.

Conditions:
Hereditary cancer-predisposing syndrome. Also called: Neoplastic Syndromes, Hereditary; Tumor predisposition; Hereditary Cancer Syndrome; Hereditary neoplastic syndrome. Identifiers: Orphanet 140162, MedGen C0027672, MeSH D009386, MONDO:0015356.
Cardiovascular phenotype. Identifiers: MedGen CN230736.

Submissions (2):

Labcorp Genetics (formerly Invitae), Labcorp
Classification: Uncertain significance. Last evaluated: 2024-12-10. Review status: criteria provided, single submitter. Criteria: Invitae Variant Classification Sherloc (09022015). Collection method: clinical testing. Allele origin: germline.
Comment: This sequence change replaces lysine, which is basic and polar, with threonine, which is neutral and polar, at codon 70 of the LZTR1 protein (p.Lys70Thr). This variant is not present in population databases (gnomAD no frequency). This variant has not been reported in the literature in individuals affected with LZTR1-related conditions. ClinVar contains an entry for this variant (Variation ID: 1785848). Invitae Evidence Modeling of protein sequence and biophysical properties (such as structural, functional, and spatial information, amino acid conservation, physicochemical variation, residue mobility, and thermodynamic stability) indicates that this missense variant is not expected to disrupt LZTR1 protein function with a negative predictive value of 80%. In summary, the available evidence is currently insufficient to determine the role of this variant in disease. Therefore, it has been classified as a Variant of Uncertain Significance.

Ambry Genetics
Classification: Uncertain significance for Cardiovascular phenotype; Hereditary cancer-predisposing syndrome. Last evaluated: 2021-06-02. Review status: criteria provided, single submitter. Criteria: Ambry Variant Classification Scheme 2023. Collection method: clinical testing. Allele origin: germline.
Comment: The p.K70T variant (also known as c.209A>C), located in coding exon 2 of the LZTR1 gene, results from an A to C substitution at nucleotide position 209. The lysine at codon 70 is replaced by threonine, an amino acid with similar properties. This amino acid position is highly conserved in available vertebrate species. In addition, the in silico prediction for this alteration is inconclusive. Since supporting evidence is limited at this time, the clinical significance of this alteration remains unclear.